The following is an entry in ClinVar:

ClinVar aggregate classification (germline): Likely pathogenic (1 of 4 stars; one submission).

Conditions:
Carnitine palmitoyltransferase II deficiency. Also called: Carnitine Palmitoyltransferase 2 Deficiency. Identifiers: Orphanet 157, MedGen C0342790, MONDO:0015515.

Submission:

Natera, Inc.
Classification: Likely pathogenic for Carnitine palmitoyltransferase II deficiency. Last evaluated: 2025-03-27. Review status: criteria provided, single submitter. Criteria: Natera Variant Classification Schema (03/2026). Collection method: clinical testing. Allele origin: germline.
Comment: The c.1754_1759delinsCTCAG variant in CPT2 is a frameshift variant predicted to shift the reading frame beginning at codon 585 and leads to a stop codon 8 codons downstream. This variant is expected to result in nonsense mediated decay, truncation, or a dysfunctional protein product. This variant is rare in the general population with a frequency below the threshold expected for the associated phenotype(s). Given the available evidence, this variant is classified as Likely Pathogenic.

NM_000098.3(CPT2):c.1754_1759delinsCTCAG (p.Asn585fs)

Gene: CPT2 (carnitine palmitoyltransferase 2; plus strand). Cytogenetic location: 1p32.3.
Variant type: Indel.
Coding change: c.1754_1759delinsCTCAG on transcript NM_000098.3 (MANE Select); coding-DNA positions 1754 to 1759, ATGTCC replaced by CTCAG.
Protein change: p.Asn585fs; shifts the reading frame from asparagine 585.
Molecular consequence: frameshift variant.
Genome position (GRCh38, 1-based): chr1:53,213,372-53,213,377, ATGTCC replaced by CTCAG. VCF-style: chr1-53213372-ATGTCC-CTCAG. GRCh37 (hg19) VCF-style: chr1-53679044-ATGTCC-CTCAG.
Other names: c.1685_1690delinsCTCAG, p.Asn562fs (NM_001330589.2); short protein forms N562fs, N585fs.
Identifiers: ClinVar variation 4817418 (VCV004817418.1).